The following is an entry in ClinVar:

ClinVar aggregate classification (germline): Uncertain significance. Review status: criteria provided, multiple submitters, no conflicts (2 of 4 stars). 2 submissions from 2 submitters: Uncertain significance (2). Last evaluated 2022-04-12.

Allele frequency attached by ClinVar (database versions not stated): gnomAD exomes below 0.00001.

Submissions (2):

Revvity Omics, Revvity
Classification: Uncertain significance. Last evaluated: 2022-04-12. Review status: criteria provided, single submitter. Criteria: ACMG Guidelines, 2015. Collection method: clinical testing. Allele origin: germline.

Labcorp Genetics (formerly Invitae), Labcorp
Classification: Uncertain significance. Last evaluated: 2022-03-12. Review status: criteria provided, single submitter. Criteria: Invitae Variant Classification Sherloc (09022015). Collection method: clinical testing. Allele origin: germline.
Comment: This sequence change replaces serine, which is neutral and polar, with proline, which is neutral and non-polar, at codon 1776 of the SRCAP protein (p.Ser1776Pro). This variant is not present in population databases (gnomAD no frequency). In summary, the available evidence is currently insufficient to determine the role of this variant in disease. Therefore, it has been classified as a Variant of Uncertain Significance. Algorithms developed to predict the effect of missense changes on protein structure and function (SIFT, PolyPhen-2, Align-GVGD) all suggest that this variant is likely to be tolerated. This variant has not been reported in the literature in individuals affected with SRCAP-related conditions.

NM_006662.3(SRCAP):c.5326T>C (p.Ser1776Pro)

Gene: SRCAP (Snf2 related CREBBP activator protein; plus strand). Cytogenetic location: 16p11.2.
Variant type: single nucleotide variant.
Coding change: c.5326T>C on transcript NM_006662.3 (MANE Select); coding-DNA position 5326, T replaced by C.
Protein change: p.Ser1776Pro; replaces serine 1776 with proline.
Molecular consequence: missense variant.
Genome position (GRCh38, 1-based): chr16:30,724,750, T>C. VCF-style: chr16-30724750-T-C. GRCh37 (hg19) VCF-style: chr16-30736071-T-C.
Other names: short protein forms S1776P.
Identifiers: ClinVar variation 1964124 (VCV001964124.8), dbSNP rs2506682552, ClinGen allele CA395618077.